The following is an entry in ClinVar:

ClinVar aggregate classification (germline): Pathogenic/Likely pathogenic. Review status: criteria provided, multiple submitters, no conflicts (2 of 4 stars). 6 submissions from 6 submitters: Pathogenic (2); Likely pathogenic (2). 2 of the submissions do not count toward it. Last evaluated 2025-08-09.

Conditions:
Cardiovascular phenotype. Identifiers: MedGen CN230736.
Hypertrophic cardiomyopathy 3. Also called: TPM1-Related Familial Hypertrophic Cardiomyopathy. Identifiers: MedGen C1861863, MONDO:0007267, OMIM 115196.
Hypertrophic cardiomyopathy. Also called: HYPERTROPHIC MYOCARDIOPATHY. Identifiers: Orphanet 217569, MedGen C0007194, MeSH D002312, MONDO:0005045, HP:0001639.

Submissions (6):

Labcorp Genetics (formerly Invitae), Labcorp
Classification: Pathogenic for Hypertrophic cardiomyopathy. Last evaluated: 2025-08-09. Review status: criteria provided, single submitter. Criteria: Invitae Variant Classification Sherloc (09022015). Collection method: clinical testing. Allele origin: germline.
Comment: This sequence change replaces alanine, which is neutral and non-polar, with valine, which is neutral and non-polar, at codon 63 of the TPM1 protein (p.Ala63Val). This variant is not present in population databases (gnomAD no frequency). This missense change has been observed in individuals with hypertrophic cardiomyopathy (HCM) (PMID: 8774330, 30022097; internal data). ClinVar contains an entry for this variant (Variation ID: 31877). An algorithm developed to predict the effect of missense changes on protein structure and function (PolyPhen-2) suggests that this variant is likely to be tolerated. Experimental studies have shown that this missense change affects TPM1 function (PMID: 12006676, 12900417, 15059934, 15479242, 20161772). For these reasons, this variant has been classified as Pathogenic.

3billion
Classification: Likely pathogenic for Hypertrophic cardiomyopathy 3. Last evaluated: 2024-08-12. Review status: criteria provided, single submitter. Criteria: ACMG Guidelines, 2015. Collection method: clinical testing. Allele origin: germline. Affected: yes.
Comment: The variant is not observed in the gnomAD v4.0.0 dataset. Predicted Consequence/Location: Missense variant In silico tool predictions suggest damaging effect of the variant on gene or gene product [3Cnet: 0.78 (>=0.6, sensitivity 0.72 and precision 0.9)]. The same nucleotide change resulting in the same amino acid change has been previously reported as pathogenic/likely pathogenic with strong evidence (ClinVar ID: VCV000031877 /PMID: 8774330). Therefore, this variant is classified as Likely pathogenic according to the recommendation of ACMG/AMP guideline.

Victorian Clinical Genetics Services, Murdoch Childrens Research Institute
Classification: Pathogenic for Hypertrophic cardiomyopathy 3. Last evaluated: 2022-03-31. Review status: criteria provided, single submitter. Criteria: ACMG Guidelines, 2015. Collection method: clinical testing. Allele origin: germline. Inheritance: Autosomal dominant inheritance. Affected: yes.
Comment: Based on the classification scheme VCGS_Germline_v1.3.4, this variant is classified as Pathogenic. Following criteria are met: 0105 - The mechanism of disease for this gene is not clearly established, although it has been suggested that that HCM is caused by gain of function missense variants while DCM is caused by loss of function missense variants (PMID: 31270709). (I) 0107 - This gene is associated with autosomal dominant disease. (I) 0200 - Variant is predicted to result in a missense amino acid change from alanine to valine. (I) 0251 - This variant is heterozygous. (I) 0301 - Variant is absent from gnomAD (both v2 and v3). (SP) 0502 - Missense variant with conflicting in silico predictions and uninformative conservation. (I) 0603 - Missense variant in a region that is highly intolerant to missense variation (high constraint region in DECIPHER). (SP) 0710 - Other missense variants comparable to the one identified in this case have inconclusive previous evidence for pathogenicity. These alternative changes, p.(Ala63Pro) and p.(Ala63Thr), have been reported as VUS (ClinVar). (I) 0801 - This variant has strong previous evidence of pathogenicity in unrelated individuals. This variant has been classified as a VUS, but more commonly as likely pathogenic, and observed in at least eleven unrelated individuals with hypertrophic cardiomyopathy (HCM) (ClinVar, PMID: 24170035, PMID: 8523464, PMID: 8774330, PMID: 29398688, PMID: 30022097, PMID: 25351510). (SP) 0906 - Segregation evidence for this variant is inconclusive. This variant has segregated within a family with HCM (PMID: 24170035), but also observed in several unaffected relatives (personal communication). (I) 1002 - This variant has moderate functional evidence supporting abnormal protein function. This variant has been proven to result in reduced effectiveness in regulating ATPase activity and heat instability (PMID: 15479242). Additionally, when transfected into rat cardiac myocytes this variant resulted in slowed cell relengthening (PMID: 15059934). (SP) 1208 - Inheritance information for this variant is not currently available in this individual. (I) Legend: (SP) - Supporting pathogenic, (I) - Information, (SB) - Supporting benign

GeneDx
Classification: Likely pathogenic. Last evaluated: 2018-01-12. Review status: criteria provided, single submitter. Criteria: GeneDx Variant Classification (06012015). Collection method: clinical testing. Allele origin: germline. Affected: yes.
Comment: The A63V likely pathogenic variant in the TPM1 gene has been reported in multiple individuals with HCM (Nakajima-Taniguchi et al., 1995; Yamauchi-Takihara et al., 1996; Lopes et al., 2015). Additionally, A63V is classified as a likely pathogenic variant by another clinical laboratory in ClinVar (SCV000285666.2; Landrum et al., 2016). The A63V variant is not observed in large population cohorts (Lek et al., 2016). Although the A63V variant is a conservative amino acid substitution, which is not likely to impact secondary protein structure as these residues share similar properties, functional studies show that the A63V variant destabilizes the tropomyosin protein and results in muscle cell dysfunction (Michele et al., 2002; Heller et al., 2003; Hilario et al., 2004).

Leiden Muscular Dystrophy (TPM1)
No classification provided. Last evaluated: 2012-04-15. Review status: no classification provided. Collection method: curation. Allele origin: germline. Not counted in ClinVar's aggregate classification.

Ambry Genetics
Classification: Uncertain significance for Cardiovascular phenotype. Last evaluated: 2021-08-09. Review status: flagged submission. Criteria: Ambry Variant Classification Scheme 2023. Collection method: clinical testing. Allele origin: germline. Not counted in ClinVar's aggregate classification.
ClinVar note: Reason: Outlier claim with insufficient supporting evidence

Literature cited by the submitters: PubMed 8774330 (cited by 3 submitters); PubMed 30022097 (cited by 3 submitters); PubMed 12006676 (cited by Labcorp Genetics (formerly Invitae), Labcorp); PubMed 12900417 (cited by Labcorp Genetics (formerly Invitae), Labcorp); PubMed 15059934 (cited by Labcorp Genetics (formerly Invitae), Labcorp and Victorian Clinical Genetics Services, Murdoch Childrens Research Institute); PubMed 15479242 (cited by Labcorp Genetics (formerly Invitae), Labcorp and Victorian Clinical Genetics Services, Murdoch Childrens Research Institute); PubMed 20161772 (cited by Labcorp Genetics (formerly Invitae), Labcorp); PubMed 8523464 (cited by Victorian Clinical Genetics Services, Murdoch Childrens Research Institute); PubMed 24170035 (cited by Victorian Clinical Genetics Services, Murdoch Childrens Research Institute); PubMed 25351510 (cited by Victorian Clinical Genetics Services, Murdoch Childrens Research Institute); PubMed 29398688 (cited by Victorian Clinical Genetics Services, Murdoch Childrens Research Institute); PubMed 31270709 (cited by Victorian Clinical Genetics Services, Murdoch Childrens Research Institute).

NM_001018005.2(TPM1):c.188C>T (p.Ala63Val)

Gene: TPM1 (tropomyosin 1; plus strand). Cytogenetic location: 15q22.2.
Variant type: single nucleotide variant.
Coding change: c.188C>T on transcript NM_001018005.2 (MANE Select); coding-DNA position 188, C replaced by T.
Protein change: p.Ala63Val; replaces alanine 63 with valine.
Molecular consequence: missense variant. On other transcripts: intron variant (3).
Genome position (GRCh38, 1-based): chr15:63,044,100, C>T. VCF-style: chr15-63044100-C-T. GRCh37 (hg19) VCF-style: chr15-63336299-C-T.
Other names: c.188C>T, p.Ala63Val (NM_000366.6, NM_001018004.2, NM_001018006.2 and 3 more transcripts); c.314C>T, p.Ala105Val (NM_001365778.1); c.240+269C>T (NM_001018020.2, NM_001018007.2, NM_001301244.2); short protein forms A63V, A105V.
Identifiers: ClinVar variation 31877 (VCV000031877.15), dbSNP rs199476306, ClinGen allele CA018699.